The following is an entry in ClinVar:

NM_004064.5(CDKN1B):c.258G>C (p.Glu86Asp)

Gene: CDKN1B (cyclin dependent kinase inhibitor 1B; plus strand). Cytogenetic location: 12p13.1.
Variant type: single nucleotide variant.
Coding change: c.258G>C on transcript NM_004064.5 (MANE Select); coding-DNA position 258, G replaced by C.
Protein change: p.Glu86Asp; replaces glutamic acid 86 with aspartic acid.
Molecular consequence: missense variant.
Genome position (GRCh38, 1-based): chr12:12,718,097, G>C. VCF-style: chr12-12718097-G-C. GRCh37 (hg19) VCF-style: chr12-12871031-G-C.
Other names: c.258G>C (NM_004064.3); short protein forms E86D.
Identifiers: ClinVar variation 956574 (VCV000956574.10), dbSNP rs142940486, ClinGen allele CA233060009.

ClinVar aggregate classification (germline): Conflicting classifications of pathogenicity. Review status: criteria provided, conflicting classifications (1 of 4 stars). 2 submissions from 2 submitters: Uncertain significance (1); Likely benign (1). Last evaluated 2025-12-30.

Conditions:
Hereditary cancer-predisposing syndrome. Also called: Tumor predisposition; Hereditary neoplastic syndrome; Hereditary Cancer Syndrome; Neoplastic Syndromes, Hereditary. Identifiers: Orphanet 140162, MedGen C0027672, MeSH D009386, MONDO:0015356.
Multiple endocrine neoplasia type 4. Also called: MULTIPLE ENDOCRINE NEOPLASIA, TYPE IV. Identifiers: Orphanet 276152, MedGen C1970712, MONDO:0012552, OMIM 610755.

Allele frequency attached by ClinVar (database versions not stated): TOPMed 0.00001.

Submissions (2):

Ambry Genetics
Classification: Likely benign for Hereditary cancer-predisposing syndrome. Last evaluated: 2025-12-30. Review status: criteria provided, single submitter. Criteria: Ambry Variant Classification Scheme 2023. Collection method: clinical testing. Allele origin: germline.

Labcorp Genetics (formerly Invitae), Labcorp
Classification: Uncertain significance for Multiple endocrine neoplasia type 4. Last evaluated: 2024-07-16. Review status: criteria provided, single submitter. Criteria: Invitae Variant Classification Sherloc (09022015). Collection method: clinical testing. Allele origin: germline.
Comment: This sequence change replaces glutamic acid, which is acidic and polar, with aspartic acid, which is acidic and polar, at codon 86 of the CDKN1B protein (p.Glu86Asp). This variant is not present in population databases (gnomAD no frequency). This missense change has been observed in individual(s) with prostate cancer (PMID: 15026335). ClinVar contains an entry for this variant (Variation ID: 956574). An algorithm developed to predict the effect of missense changes on protein structure and function (PolyPhen-2) suggests that this variant is likely to be tolerated. In summary, the available evidence is currently insufficient to determine the role of this variant in disease. Therefore, it has been classified as a Variant of Uncertain Significance.

Literature cited by the submitters: PubMed 15026335 (cited by Labcorp Genetics (formerly Invitae), Labcorp).